The following is an entry in ClinVar:

NM_013275.6(ANKRD11):c.957G>A (p.Thr319=)

Gene: ANKRD11 (ankyrin repeat domain 11; minus strand). Cytogenetic location: 16q24.3.
Variant type: single nucleotide variant.
Coding change: c.957G>A on transcript NM_013275.6 (MANE Select); coding-DNA position 957, G replaced by A.
Protein change: p.Thr319=; no amino-acid change (threonine 319 retained).
Molecular consequence: synonymous variant.
Genome position (GRCh38, 1-based): chr16:89,285,585, C>T on the plus strand (G>A on the coding strand, the complement: ANKRD11 is on the minus strand). VCF-style: chr16-89285585-C-T. GRCh37 (hg19) VCF-style: chr16-89351993-C-T.
Other names: c.957G>A, p.Thr319= (NM_001256182.2, NM_001256183.2).
Identifiers: ClinVar variation 2983273 (VCV002983273.25), dbSNP rs561986666, ClinGen allele CA497375930.

ClinVar aggregate classification (germline): Likely benign. Review status: criteria provided, multiple submitters, no conflicts (2 of 4 stars). 2 submissions from 2 submitters: Likely benign (2). Last evaluated 2024-10-29.

Conditions:
KBG syndrome (KBGS). Also called: ANKRD11-Related KBG Syndrome. Identifiers: Orphanet 2332, MedGen C0220687, MONDO:0007846, OMIM 148050.

gnomAD v4.1: 6 of 1,614,002 alleles (0.00037%); highest among the groups gnomAD compares: African/African-American, 0.0027%; no homozygotes.

Submissions (2):

Labcorp Genetics (formerly Invitae), Labcorp
Classification: Likely benign for KBG syndrome. Last evaluated: 2024-10-29. Review status: criteria provided, single submitter. Criteria: Invitae Variant Classification Sherloc (09022015). Collection method: clinical testing. Allele origin: germline.

CeGaT Center for Human Genetics Tuebingen
Classification: Likely benign. Last evaluated: 2024-02-01. Review status: criteria provided, single submitter. Criteria: CeGaT Center For Human Genetics Tuebingen Variant Classification Criteria Version 2. Collection method: clinical testing. Allele origin: germline. Affected: yes. Observed: 1 variant allele.
Comment: ANKRD11: BP4, BP7